The following is an entry in ClinVar:

ClinVar aggregate classification (germline): Uncertain significance (1 of 4 stars; one submission).

Conditions:
Familial hypobetalipoproteinemia 1. Also called: Hypobetalipoproteinemia, normotriglyceridemic; Acanthocytosis with hypobetalipoproteinemia; APOB-Related Familial Hypobetalipoproteinemia. Identifiers: MedGen C4551990, MONDO:0014252, OMIM 615558.
Hypercholesterolemia, autosomal dominant, type B (FHCL2). Also called: Familial Hypercholesterolemia Type B; APOLIPOPROTEIN B-100, FAMILIAL DEFECTIVE; APOLIPOPROTEIN B-100, FAMILIAL LIGAND-DEFECTIVE; HYPERCHOLESTEROLEMIA, FAMILIAL, DUE TO LIGAND-DEFECTIVE APOLIPOPROTEIN B; APOB-Related Familial Hypercholesterolemia, Autosomal Dominant; Hyperlipoproteinemia Type IIb. Identifiers: MedGen C1704417, MONDO:0007751, OMIM 144010.

gnomAD v4.1: 1 of 1,613,984 alleles (0.000062%); highest among the groups gnomAD compares: East Asian, 0.0022%; no homozygotes.

Submission:

Labcorp Genetics (formerly Invitae), Labcorp
Classification: Uncertain significance for Familial hypobetalipoproteinemia 1; Hypercholesterolemia, autosomal dominant, type B. Last evaluated: 2026-01-04. Review status: criteria provided, single submitter. Criteria: Invitae Variant Classification Sherloc (09022015). Collection method: clinical testing. Allele origin: germline.
Comment: This sequence change creates a premature translational stop signal (p.Ser4277*) in the APOB gene. While this is not anticipated to result in nonsense mediated decay, it is expected to disrupt the last 287 amino acid(s) of the APOB protein. This variant is not present in population databases (gnomAD no frequency). This variant has not been reported in the literature in individuals affected with APOB-related conditions. This variant disrupts a region of the APOB protein in which other variant(s) (p.Tyr4380*) have been observed in individuals with APOB-related conditions (internal data). This suggests that this is a clinically significant region of the protein, and that variants that disrupt it are likely to be disease-causing. In summary, the available evidence is currently insufficient to determine the role of this variant in disease. Therefore, it has been classified as a Variant of Uncertain Significance.

NM_000384.3(APOB):c.12830C>G (p.Ser4277Ter)

Gene: APOB (apolipoprotein B; minus strand). Cytogenetic location: 2p24.1.
Variant type: single nucleotide variant.
Coding change: c.12830C>G on transcript NM_000384.3 (MANE Select); coding-DNA position 12830, C replaced by G.
Protein change: p.Ser4277Ter; replaces serine 4277 with a stop codon.
Molecular consequence: nonsense.
Genome position (GRCh38, 1-based): chr2:21,002,592, G>C on the plus strand (C>G on the coding strand, the complement: APOB is on the minus strand). VCF-style: chr2-21002592-G-C. GRCh37 (hg19) VCF-style: chr2-21225464-G-C.
Other names: short protein forms S4277*.
Identifiers: ClinVar variation 4794375 (VCV004794375.1).